The following is an entry in ClinVar:

NM_004168.4(SDHA):c.433C>T (p.Gln145Ter)

Gene: SDHA (succinate dehydrogenase complex flavoprotein subunit A; plus strand). Cytogenetic location: 5p15.33.
Variant type: single nucleotide variant.
Coding change: c.433C>T on transcript NM_004168.4 (MANE Select); coding-DNA position 433, C replaced by T.
Protein change: p.Gln145Ter; replaces glutamine 145 with a stop codon.
Molecular consequence: nonsense. On other transcripts: intron variant (1).
Genome position (GRCh38, 1-based): chr5:225,539, C>T. VCF-style: chr5-225539-C-T. GRCh37 (hg19) VCF-style: chr5-225654-C-T.
Other names: c.433C>T, p.Gln145Ter (NM_001330758.2); c.313-344C>T (NM_001294332.2); short protein forms Q145*.
Identifiers: ClinVar variation 3756546 (VCV003756546.4).

ClinVar aggregate classification (germline): Pathogenic/Likely pathogenic. Review status: criteria provided, multiple submitters, no conflicts (2 of 4 stars). 2 submissions from 2 submitters: Pathogenic (1); Likely pathogenic (1). Last evaluated 2024-07-01.

Conditions:
Mitochondrial complex II deficiency, nuclear type 1. Also called: SUCCINATE CoQ REDUCTASE DEFICIENCY. Identifiers: Orphanet 3208, MedGen C5700310, MONDO:0100294, OMIM 252011.
Pheochromocytoma/paraganglioma syndrome 5. Also called: Paragangliomas 5; SDHA-Related Hereditary Paraganglioma-Pheochromocytoma Syndrome. Identifiers: Orphanet 29072, MedGen C3279992, MONDO:0013602, OMIM 614165.
Neurodegeneration with ataxia and late-onset optic atrophy. Identifiers: MedGen C5543254, MONDO:0031006, OMIM 619259.
Dilated cardiomyopathy 1GG (CMD1GG). Identifiers: Orphanet 154, MedGen C3150898, MONDO:0013339, OMIM 613642.

Submissions (2):

Labcorp Genetics (formerly Invitae), Labcorp
Classification: Pathogenic for Pheochromocytoma/paraganglioma syndrome 5; Mitochondrial complex II deficiency, nuclear type 1. Last evaluated: 2024-07-01. Review status: criteria provided, single submitter. Criteria: Invitae Variant Classification Sherloc (09022015). Collection method: clinical testing. Allele origin: germline.
Comment: This sequence change creates a premature translational stop signal (p.Gln145*) in the SDHA gene. It is expected to result in an absent or disrupted protein product. Loss-of-function variants in SDHA are known to be pathogenic (PMID: 22974104, 24781757). This variant is not present in population databases (gnomAD no frequency). This variant has not been reported in the literature in individuals affected with SDHA-related conditions. Algorithms developed to predict the effect of sequence changes on RNA splicing suggest that this variant may disrupt the consensus splice site. For these reasons, this variant has been classified as Pathogenic.

Juno Genomics, Hangzhou Juno Genomics, Inc
Classification: Likely pathogenic for Pheochromocytoma/paraganglioma syndrome 5; Dilated cardiomyopathy 1GG; Mitochondrial complex II deficiency, nuclear type 1; Neurodegeneration with ataxia and late-onset optic atrophy. Review status: criteria provided, single submitter. Criteria: ACMG Guidelines, 2015. Collection method: clinical testing. Allele origin: germline.
Comment: Null variant in a gene where loss of function (LOF) is a known mechanism of disease.;Absent from controls (or at extremely low frequency if recessive) in Genome Aggregation Database.

Literature cited by the submitters: PubMed 22974104 (cited by Labcorp Genetics (formerly Invitae), Labcorp); PubMed 24781757 (cited by Labcorp Genetics (formerly Invitae), Labcorp).